The following is an entry in ClinVar:

NM_017882.3(CLN6):c.28C>G (p.Leu10Val)

Gene: CLN6 (CLN6 transmembrane ER protein; minus strand). Cytogenetic location: 15q23.
Variant type: single nucleotide variant.
Coding change: c.28C>G on transcript NM_017882.3 (MANE Select); coding-DNA position 28, C replaced by G.
Protein change: p.Leu10Val; replaces leucine 10 with valine.
Molecular consequence: missense variant.
Genome position (GRCh38, 1-based): chr15:68,229,557, G>C on the plus strand (C>G on the coding strand, the complement: CLN6 is on the minus strand). VCF-style: chr15-68229557-G-C. GRCh37 (hg19) VCF-style: chr15-68521895-G-C.
Other names: c.28C>G (NM_017882.2); short protein forms L10V.
Identifiers: ClinVar variation 1420323 (VCV001420323.6), dbSNP rs1457277891, ClinGen allele CA392978254.

ClinVar aggregate classification (germline): Uncertain significance. Review status: criteria provided, multiple submitters, no conflicts (2 of 4 stars). 2 submissions from 2 submitters: Uncertain significance (2). Last evaluated 2025-11-11.

Conditions:
Inborn genetic diseases. Identifiers: MedGen C0950123, MeSH D030342.
Neuronal ceroid lipofuscinosis. Also called: Neuronal Ceroid Lipofuscinoses. Identifiers: Orphanet 216, Orphanet 79263, MedGen C0027877, MONDO:0016295. Disease mechanism: loss of function.

gnomAD v4.1: 2 of 1,469,430 alleles (0.00014%); highest among the groups gnomAD compares: Admixed American, 0.0047%; no homozygotes.

Submissions (2):

Ambry Genetics
Classification: Uncertain significance for Inborn genetic diseases. Last evaluated: 2025-11-11. Review status: criteria provided, single submitter. Criteria: Ambry Variant Classification Scheme 2023. Collection method: clinical testing. Allele origin: germline.

Labcorp Genetics (formerly Invitae), Labcorp
Classification: Uncertain significance for Neuronal ceroid lipofuscinosis. Last evaluated: 2022-03-21. Review status: criteria provided, single submitter. Criteria: Invitae Variant Classification Sherloc (09022015). Collection method: clinical testing. Allele origin: germline.
Comment: This sequence change replaces leucine, which is neutral and non-polar, with valine, which is neutral and non-polar, at codon 10 of the CLN6 protein (p.Leu10Val). The frequency data for this variant in the population databases is considered unreliable, as metrics indicate poor data quality at this position in the gnomAD database. This variant has not been reported in the literature in individuals affected with CLN6-related conditions. Algorithms developed to predict the effect of missense changes on protein structure and function (SIFT, PolyPhen-2, Align-GVGD) all suggest that this variant is likely to be tolerated. In summary, the available evidence is currently insufficient to determine the role of this variant in disease. Therefore, it has been classified as a Variant of Uncertain Significance.